The following is an entry in ClinVar:

NM_015512.5(DNAH1):c.10203C>T (p.Ser3401=)

Gene: DNAH1 (dynein axonemal heavy chain 1; plus strand). Cytogenetic location: 3p21.1.
Variant type: single nucleotide variant.
Coding change: c.10203C>T on transcript NM_015512.5 (MANE Select); coding-DNA position 10203, C replaced by T.
Protein change: p.Ser3401=; no amino-acid change (serine 3401 retained).
Molecular consequence: synonymous variant.
Genome position (GRCh38, 1-based): chr3:52,392,614, C>T. VCF-style: chr3-52392614-C-T. GRCh37 (hg19) VCF-style: chr3-52426630-C-T.
Other names: c.10203C>T (NM_015512.4).
Identifiers: ClinVar variation 1968014 (VCV001968014.7), dbSNP rs1157439187, ClinGen allele CA433885378.

ClinVar aggregate classification (germline): Likely benign. Review status: criteria provided, multiple submitters, no conflicts (2 of 4 stars). 3 submissions from 3 submitters: Likely benign (2). 1 of the submissions does not count toward it. Last evaluated 2024-11-25.

Conditions:
Spermatogenic failure 18. Identifiers: MedGen C4539783, MONDO:0054615, OMIM 617576.
Ciliary dyskinesia, primary, 37 (CILD37). Also called: CILIARY DYSKINESIA, PRIMARY, 37, WITH OR WITHOUT SITUS INVERSUS. Identifiers: MedGen C4539798, MONDO:0033204, OMIM 617577.
DNAH1-related disorder. Also called: DNAH1-related condition.

Allele frequency attached by ClinVar (database versions not stated): gnomAD 0.00002.
gnomAD v4.1: 39 of 1,613,502 alleles (0.0024%); highest among the groups gnomAD compares: Middle Eastern, 0.016%; no homozygotes.

Submissions (3):

Blueprint Genetics
Classification: Likely benign. Last evaluated: 2024-11-25. Review status: criteria provided, single submitter. Criteria: ACMG Guidelines, 2015. Collection method: clinical testing. Allele origin: germline.

Labcorp Genetics (formerly Invitae), Labcorp
Classification: Likely benign for Ciliary dyskinesia, primary, 37; Spermatogenic failure 18. Last evaluated: 2023-08-01. Review status: criteria provided, single submitter. Criteria: Invitae Variant Classification Sherloc (09022015). Collection method: clinical testing. Allele origin: germline.

PreventionGenetics, part of Exact Sciences
Classification: Likely benign for DNAH1-related condition. Last evaluated: 2024-07-30. Review status: no assertion criteria provided. Collection method: clinical testing. Allele origin: germline. Not counted in ClinVar's aggregate classification.
Comment: This variant is classified as likely benign based on ACMG/AMP sequence variant interpretation guidelines (Richards et al. 2015 PMID: 25741868, with internal and published modifications).